The following is an entry in ClinVar:

NM_001395413.1(POR):c.975C>T (p.Ala325=)

Genes: POR (cytochrome p450 oxidoreductase; plus strand), LOC126860075 (CDK7 strongly-dependent group 2 enhancer GRCh37_chr7:75612087-75613286; plus strand). Cytogenetic location: 7q11.23.
Variant type: single nucleotide variant.
Coding change: c.975C>T on transcript NM_001395413.1 (MANE Select); coding-DNA position 975, C replaced by T.
Protein change: p.Ala325=; no amino-acid change (alanine 325 retained).
Molecular consequence: synonymous variant.
Genome position (GRCh38, 1-based): chr7:75,983,774, C>T. VCF-style: chr7-75983774-C-T. GRCh37 (hg19) VCF-style: chr7-75613092-C-T.
Other names: c.975C>T, p.Ala325= (NM_001367562.3, NM_001382657.2, NM_001382658.3 and 2 more transcripts); c.1029C>T, p.Ala343= (NM_001382655.3).
Identifiers: ClinVar variation 618843 (VCV000618843.41), dbSNP rs72557941, ClinGen allele CA4303934.

ClinVar aggregate classification (germline): Conflicting classifications of pathogenicity. Review status: criteria provided, conflicting classifications (1 of 4 stars). 10 submissions from 10 submitters: Uncertain significance (2); Benign (1); Likely benign (5). 2 of the submissions do not count toward it. Last evaluated 2026-01-26.

Conditions:
POR-related disorder. Also called: POR-related condition.
Congenital adrenal hyperplasia due to cytochrome P450 oxidoreductase deficiency. Also called: DISORDERED STEROIDOGENESIS DUE TO POR DEFICIENCY. Identifiers: Orphanet 95699, MedGen C1860042, MONDO:0013310, OMIM 613571.

Allele frequency attached by ClinVar (database versions not stated): 1000 Genomes Project 30x 0.00016; ESP Exome Variant Server 0.00080; TOPMed 0.00084; gnomAD exomes 0.00105 and 0.00117; ExAC 0.00124; gnomAD 0.00128 and 0.00136.
gnomAD v4.1: 1,719 of 1,612,506 alleles (0.11%); highest among the groups gnomAD compares: Non-Finnish European, 0.12%; 10 homozygotes.

Submissions (10):

Labcorp Genetics (formerly Invitae), Labcorp
Classification: Likely benign for Congenital adrenal hyperplasia due to cytochrome P450 oxidoreductase deficiency. Last evaluated: 2026-01-26. Review status: criteria provided, single submitter. Criteria: Invitae Variant Classification Sherloc (09022015). Collection method: clinical testing. Allele origin: germline.

GeneDx
Classification: Uncertain significance. Last evaluated: 2026-01-04. Review status: criteria provided, single submitter. Criteria: GeneDx Variant Classification Process June 2021. Collection method: clinical testing. Allele origin: germline. Affected: yes.
Comment: In silico analysis suggests this variant may impact gene splicing. In the absence of RNA/functional studies, the actual effect of this sequence change is unknown.; This variant is associated with the following publications: (PMID: 25712184, 14688830, 33666875)

CeGaT Center for Human Genetics Tuebingen
Classification: Likely benign. Last evaluated: 2025-09-01. Review status: criteria provided, single submitter. Criteria: CeGaT Center For Human Genetics Tuebingen Variant Classification Criteria Version 2. Collection method: clinical testing. Allele origin: germline. Affected: yes. Observed: 1 variant allele.
Comment: POR: PP3, BS2

ARUP Laboratories, Molecular Genetics and Genomics, ARUP Laboratories
Classification: Likely benign. Last evaluated: 2025-05-20. Review status: criteria provided, single submitter. Criteria: ARUP Molecular Germline Variant Investigation Process 2024. Collection method: clinical testing. Allele origin: germline.

Women's Health and Genetics/Laboratory Corporation of America, LabCorp
Classification: Benign. Last evaluated: 2025-04-28. Review status: criteria provided, single submitter. Criteria: LabCorp Variant Classification Summary - May 2015. Collection method: clinical testing. Allele origin: germline.

PreventionGenetics, part of Exact Sciences
Classification: Likely benign for POR-related condition. Last evaluated: 2024-12-05. Review status: criteria provided, single submitter. Criteria: ACMG Guidelines, 2015. Collection method: clinical testing. Allele origin: germline.
Comment: This variant is classified as likely benign based on ACMG/AMP sequence variant interpretation guidelines (Richards et al. 2015 PMID: 25741868, with internal and published modifications).

Blueprint Genetics
Classification: Likely benign. Last evaluated: 2024-11-26. Review status: criteria provided, single submitter. Criteria: ACMG Guidelines, 2015. Collection method: clinical testing. Allele origin: germline.

Illumina Laboratory Services, Illumina
Classification: Uncertain significance for Congenital adrenal hyperplasia due to cytochrome P450 oxidoreductase deficiency. Last evaluated: 2017-04-27. Review status: criteria provided, single submitter. Criteria: ICSL Variant Classification Criteria 13 December 2019. Collection method: clinical testing. Allele origin: germline.
Comment: This variant was observed as part of a predisposition screen in an ostensibly healthy population. A literature search was performed for the gene, cDNA change, and amino acid change (where applicable). Publications were found based on this search. However, the evidence from the literature, in combination with allele frequency data from public databases where available, was not sufficient to rule this variant in or out of causing disease. Therefore, this variant is classified as a variant of unknown significance.

Clinical Genetics DNA and cytogenetics Diagnostics Lab, Erasmus MC, Erasmus Medical Center
Classification: Likely benign. Review status: no assertion criteria provided. Collection method: clinical testing. Allele origin: germline. Affected: yes. Study: VKGL Data-share Consensus. Not counted in ClinVar's aggregate classification.

Joint Genome Diagnostic Labs from Nijmegen and Maastricht, Radboudumc and MUMC+
Classification: Likely benign. Review status: no assertion criteria provided. Collection method: clinical testing. Allele origin: germline. Affected: yes. Study: VKGL Data-share Consensus. Not counted in ClinVar's aggregate classification.

Literature cited by the submitters: PubMed 25712184 (cited by Illumina Laboratory Services, Illumina).